The following is an entry in ClinVar:

ClinVar aggregate classification (germline): Pathogenic/Likely pathogenic. Review status: criteria provided, multiple submitters, no conflicts (2 of 4 stars). 4 submissions from 4 submitters: Pathogenic (3); Likely pathogenic (1). Last evaluated 2023-06-10.

Conditions:
CHARGE syndrome (CHARGE). Also called: Hittner Hirsch Kreh syndrome; Coloboma, heart anomaly, choanal atresia, retardation, genital and ear anomalies; CHARGE association; Hall-Hittner syndrome; CHARGE ASSOCIATION--COLOBOMA, HEART ANOMALY, CHOANAL ATRESIA, RETARDATION, GENITAL AND EAR ANOMALIES. Identifiers: Orphanet 138, MedGen C0265354, MONDO:0008965.

Submissions (4):

Baylor Genetics
Classification: Pathogenic for CHD7-related CHARGE syndrome. Last evaluated: 2023-06-10. Review status: criteria provided, single submitter. Criteria: ACMG Guidelines, 2015. Collection method: clinical testing. Allele origin: unknown.

GeneDx
Classification: Pathogenic. Last evaluated: 2022-05-17. Review status: criteria provided, single submitter. Criteria: GeneDx Variant Classification Process June 2021. Collection method: clinical testing. Allele origin: germline. Affected: yes.
Comment: Canonical splice site variant predicted to result in a null allele in a gene for which loss of function is a known mechanism of disease; Not observed at significant frequency in large population cohorts (gnomAD); This variant is associated with the following publications: (PMID: 22461308, 29304373)

Labcorp Genetics (formerly Invitae), Labcorp
Classification: Pathogenic for CHARGE syndrome. Last evaluated: 2019-04-25. Review status: criteria provided, single submitter. Criteria: Invitae Variant Classification Sherloc (09022015). Collection method: clinical testing. Allele origin: germline.
Comment: This variant has been observed to be de novo in an individual affected with CHARGE syndrome (PMID: 22461308). ClinVar contains an entry for this variant (Variation ID: 547194). For these reasons, this variant has been classified as Pathogenic. Donor and acceptor splice site variants typically lead to a loss of protein function (PMID: 16199547), and loss-of-function variants in CHD7 are known to be pathogenic (PMID: 22461308, 25077900). Algorithms developed to predict the effect of sequence changes on RNA splicing suggest that this variant may disrupt the consensus splice site, but this prediction has not been confirmed by published transcriptional studies. This variant is not present in population databases (ExAC no frequency). This sequence change affects a donor splice site in intron 27 of the CHD7 gene. It is expected to disrupt RNA splicing and likely results in an absent or disrupted protein product.

Center for Human Genetics, Inc
Classification: Likely pathogenic for CHARGE syndrome. Last evaluated: 2016-11-01. Review status: criteria provided, single submitter. Criteria: ACMG Guidelines, 2015. Collection method: clinical testing. Allele origin: germline. Affected: yes.

Literature cited by the submitters: PubMed 22461308 (cited by Labcorp Genetics (formerly Invitae), Labcorp); PubMed 16199547 (cited by Labcorp Genetics (formerly Invitae), Labcorp); PubMed 25077900 (cited by Labcorp Genetics (formerly Invitae), Labcorp).

NM_017780.4(CHD7):c.5607+1G>A

Gene: CHD7 (chromodomain helicase DNA binding protein 7; plus strand). Cytogenetic location: 8q12.2.
Variant type: single nucleotide variant.
Coding change: c.5607+1G>A on transcript NM_017780.4 (MANE Select); the canonical splice donor site of the intron after coding-DNA position 5607, G replaced by A.
Molecular consequence: splice donor variant. On other transcripts: intron variant (1).
Genome position (GRCh38, 1-based): chr8:60,851,105, G>A. VCF-style: chr8-60851105-G-A. GRCh37 (hg19) VCF-style: chr8-61763664-G-A.
Other names: c.1717-11124G>A (NM_001316690.1).
Identifiers: ClinVar variation 547194 (VCV000547194.13), dbSNP rs1554603672, ClinGen allele CA371322087.